The following is an entry in ClinVar:

ClinVar aggregate classification (germline): Uncertain significance (1 of 4 stars; one submission).

Conditions:
Primary ciliary dyskinesia. Also called: Ciliary dyskinesia. Identifiers: Orphanet 244, MedGen C0008780, MONDO:0016575, HP:0012265.

Allele frequency attached by ClinVar (database versions not stated): ExAC 0.00014; gnomAD exomes 0.00015 and 0.00019; gnomAD 0.00016 and 0.00019; TOPMed 0.00020; ESP Exome Variant Server 0.00031.

Submission:

Labcorp Genetics (formerly Invitae), Labcorp
Classification: Uncertain significance for Primary ciliary dyskinesia. Last evaluated: 2022-10-10. Review status: criteria provided, single submitter. Criteria: Invitae Variant Classification Sherloc (09022015). Collection method: clinical testing. Allele origin: germline.
Comment: This sequence change replaces tyrosine, which is neutral and polar, with cysteine, which is neutral and slightly polar, at codon 3056 of the DNAH8 protein (p.Tyr3056Cys). This variant is present in population databases (rs139564138, gnomAD 0.03%). This variant has not been reported in the literature in individuals affected with DNAH8-related conditions. ClinVar contains an entry for this variant (Variation ID: 525448). Advanced modeling of protein sequence and biophysical properties (such as structural, functional, and spatial information, amino acid conservation, physicochemical variation, residue mobility, and thermodynamic stability) has been performed at Invitae for this missense variant, however the output from this modeling did not meet the statistical confidence thresholds required to predict the impact of this variant on DNAH8 protein function. In summary, the available evidence is currently insufficient to determine the role of this variant in disease. Therefore, it has been classified as a Variant of Uncertain Significance.

NM_001206927.2(DNAH8):c.9167A>G (p.Tyr3056Cys)

Gene: DNAH8 (dynein axonemal heavy chain 8; plus strand). Cytogenetic location: 6p21.2.
Variant type: single nucleotide variant.
Coding change: c.9167A>G on transcript NM_001206927.2 (MANE Select); coding-DNA position 9167, A replaced by G.
Protein change: p.Tyr3056Cys; replaces tyrosine 3056 with cysteine.
Molecular consequence: missense variant.
Genome position (GRCh38, 1-based): chr6:38,899,879, A>G. VCF-style: chr6-38899879-A-G. GRCh37 (hg19) VCF-style: chr6-38867655-A-G.
Other names: c.8516A>G, p.Tyr2839Cys (NM_001371.4); short protein forms Y3056C, Y2839C.
Identifiers: ClinVar variation 525448 (VCV000525448.9), dbSNP rs139564138, ClinGen allele CA3790406.